The following is an entry in ClinVar:

ClinVar aggregate classification (germline): Likely pathogenic (1 of 4 stars; one submission).

Conditions:
Distal myopathy with posterior leg and anterior hand involvement. Also called: WILLIAMS DISTAL MYOPATHY. Identifiers: Orphanet 63273, MedGen C3279722, MONDO:0013550, OMIM 614065.
Hypertrophic cardiomyopathy 26. Also called: Cardiomyopathy, familial hypertrophic, 26. Identifiers: Orphanet 75249, MedGen C4310749, MONDO:0014883, OMIM 617047.
Myofibrillar myopathy 5. Also called: Filaminopathy (type); FILAMINOPATHY, AUTOSOMAL DOMINANT. Identifiers: Orphanet 171445, MedGen C1836050, MONDO:0012289, OMIM 609524.

Submission:

Labcorp Genetics (formerly Invitae), Labcorp
Classification: Likely pathogenic for Distal myopathy with posterior leg and anterior hand involvement; Myofibrillar myopathy 5; Hypertrophic cardiomyopathy 26. Last evaluated: 2022-05-01. Review status: criteria provided, single submitter. Criteria: Invitae Variant Classification Sherloc (09022015). Collection method: clinical testing. Allele origin: germline.
Comment: Algorithms developed to predict the effect of sequence changes on RNA splicing suggest that this variant may disrupt the consensus splice site. In summary, the currently available evidence indicates that the variant is pathogenic, but additional data are needed to prove that conclusively. Therefore, this variant has been classified as Likely Pathogenic. This variant has not been reported in the literature in individuals affected with FLNC-related conditions. This variant is not present in population databases (gnomAD no frequency). This variant results in the deletion of part of exon 28 (c.4920_4927+6del) of the FLNC gene. It is expected to disrupt RNA splicing. Variants that disrupt the donor or acceptor splice site typically lead to a loss of protein function (PMID: 16199547), and loss-of-function variants in FLNC are known to be pathogenic (PMID: 27908349).

Literature cited by the submitters: PubMed 16199547; PubMed 27908349.

NM_001458.5(FLNC):c.4920_4927+6del

Gene: FLNC (filamin C; plus strand). Cytogenetic location: 7q32.1.
Variant type: Deletion.
Coding change: c.4920_4927+6del on transcript NM_001458.5 (MANE Select); coding-DNA position 4920 through 6 bases into the intron after coding-DNA position 4927, 14 bases deleted (CGTCACAGGTGGGT).
Molecular consequence: splice donor variant.
Genome position (GRCh38, 1-based): chr7:128,848,975-128,848,988, CGTCACAGGTGGGT deleted; deleting any 14 consecutive bases within chr7:128,848,974-128,848,988 gives the same sequence; the c. name uses the placement nearest the transcript's 3' end. VCF-style (leftmost placement, unchanged base first): chr7-128848973-CTCGTCACAGGTGGG-C. GRCh37 (hg19) VCF-style: chr7-128489027-CTCGTCACAGGTGGG-C.
Other names: c.4920_4927+6del (NM_001127487.2).
Identifiers: ClinVar variation 2132527 (VCV002132527.4), dbSNP rs2536649067, ClinGen allele CA2580076529.